The following is an entry in ClinVar:

NM_000059.4(BRCA2):c.9256+1418T>A

Gene: BRCA2 (BRCA2 DNA repair associated; plus strand). Cytogenetic location: 13q13.1.
Variant type: single nucleotide variant.
Coding change: c.9256+1418T>A on transcript NM_000059.4 (MANE Select); 1418 bases into the intron after coding-DNA position 9256, T replaced by A.
Molecular consequence: intron variant.
Genome position (GRCh38, 1-based): chr13:32,381,563, T>A. VCF-style: chr13-32381563-T-A. GRCh37 (hg19) VCF-style: chr13-32955700-T-A.
Other names: IVS 24+1418T>A.
Identifiers: ClinVar variation 209851 (VCV000209851.1), dbSNP rs11571773, ClinGen allele CA276819.

ClinVar aggregate classification (germline): Benign (3 of 4 stars; one submission).

Conditions:
Breast-ovarian cancer, familial, susceptibility to, 2 (BROVCA2). Also called: BRCA2 Hereditary Breast and Ovarian Cancer. Identifiers: Orphanet 145, MedGen C2675520, MONDO:0012933, OMIM 612555. Disease mechanism: loss of function.

Allele frequency attached by ClinVar (database versions not stated): 1000 Genomes Project 0.00679; gnomAD 0.00726 and 0.00793; 1000 Genomes Project 30x 0.00734; TOPMed 0.00806.
gnomAD v4.1: 1,097 of 152,236 alleles (0.72%); highest among the groups gnomAD compares: African/African-American, 2.5%; 15 homozygotes.

Submission:

Evidence-based Network for the Interpretation of Germline Mutant Alleles (ENIGMA)
Classification: Benign for Breast-ovarian cancer, familial 2. Last evaluated: 2015-01-12. Review status: reviewed by expert panel. Criteria: ENIGMA BRCA1/2 Classification Criteria (2015). Collection method: curation. Allele origin: germline.
Comment: Class 1 not pathogenic based on frequency >1% in an outbred sampleset. Frequency 0.03049 (African), derived from 1000 genomes (2012-04-30).